The following is an entry in ClinVar:

NM_001130438.3(SPTAN1):c.3538C>T (p.Pro1180Ser)

Gene: SPTAN1 (spectrin alpha, non-erythrocytic 1; plus strand). Cytogenetic location: 9q34.11.
Variant type: single nucleotide variant.
Coding change: c.3538C>T on transcript NM_001130438.3 (MANE Select); coding-DNA position 3538, C replaced by T.
Protein change: p.Pro1180Ser; replaces proline 1180 with serine.
Molecular consequence: missense variant.
Genome position (GRCh38, 1-based): chr9:128,598,981, C>T. VCF-style: chr9-128598981-C-T. GRCh37 (hg19) VCF-style: chr9-131361260-C-T.
Other names: c.3478C>T, p.Pro1160Ser (NM_001195532.2, NM_001363765.2); c.3538C>T, p.Pro1180Ser (NM_001363759.2, NM_003127.4); short protein forms P1180S, P1160S.
Identifiers: ClinVar variation 530411 (VCV000530411.7), dbSNP rs1554754141, ClinGen allele CA375062573.

ClinVar aggregate classification (germline): Uncertain significance (1 of 4 stars; one submission).

Conditions:
Developmental and epileptic encephalopathy. Identifiers: MedGen C5779964, MONDO:0100620.

Allele frequency attached by ClinVar (database versions not stated): gnomAD exomes below 0.00001.
gnomAD v4.1: 1 of 1,613,820 alleles (0.000062%); highest among the groups gnomAD compares: Non-Finnish European, 0.000085%; no homozygotes.

Submission:

Labcorp Genetics (formerly Invitae), Labcorp
Classification: Uncertain significance for Early-infantile DEE. Last evaluated: 2023-04-12. Review status: criteria provided, single submitter. Criteria: Invitae Variant Classification Sherloc (09022015). Collection method: clinical testing. Allele origin: germline.
Comment: This sequence change replaces proline, which is neutral and non-polar, with serine, which is neutral and polar, at codon 1180 of the SPTAN1 protein (p.Pro1180Ser). In summary, the available evidence is currently insufficient to determine the role of this variant in disease. Therefore, it has been classified as a Variant of Uncertain Significance. Advanced modeling of protein sequence and biophysical properties (such as structural, functional, and spatial information, amino acid conservation, physicochemical variation, residue mobility, and thermodynamic stability) has been performed at Invitae for this missense variant, however the output from this modeling did not meet the statistical confidence thresholds required to predict the impact of this variant on SPTAN1 protein function. ClinVar contains an entry for this variant (Variation ID: 530411). This variant has not been reported in the literature in individuals affected with SPTAN1-related conditions. This variant is not present in population databases (gnomAD no frequency).